The following is an entry in ClinVar:

NM_003890.3(FCGBP):c.4017C>T (p.Pro1339=)

Gene: FCGBP (Fc gamma binding protein; minus strand). Cytogenetic location: 19q13.2.
Variant type: single nucleotide variant.
Coding change: c.4017C>T on transcript NM_003890.3 (MANE Select); coding-DNA position 4017, C replaced by T.
Protein change: p.Pro1339=; no amino-acid change (proline 1339 retained).
Molecular consequence: synonymous variant.
Identifiers: ClinVar variation 2649863 (VCV002649863.19), dbSNP rs1599893499, ClinGen allele CA9437343.

ClinVar aggregate classification (germline): Likely benign (1 of 4 stars; one submission).

Submission:

CeGaT Center for Human Genetics Tuebingen
Classification: Likely benign. Last evaluated: 2022-06-01. Review status: criteria provided, single submitter. Criteria: CeGaT Center For Human Genetics Tuebingen Variant Classification Criteria Version 2. Collection method: clinical testing. Allele origin: germline. Affected: yes. Observed: 1 variant allele.
Comment: FCGBP: BP4, BP7